The following is an entry in ClinVar:

NM_133497.4(KCNV2):c.621C>T (p.Arg207=)

Gene: KCNV2 (potassium voltage-gated channel modifier subfamily V member 2; plus strand). Cytogenetic location: 9p24.2.
Variant type: single nucleotide variant.
Coding change: c.621C>T on transcript NM_133497.4 (MANE Select); coding-DNA position 621, C replaced by T.
Protein change: p.Arg207=; no amino-acid change (arginine 207 retained).
Molecular consequence: synonymous variant.
Genome position (GRCh38, 1-based): chr9:2,718,360, C>T. VCF-style: chr9-2718360-C-T. GRCh37 (hg19) VCF-style: chr9-2718360-C-T.
Identifiers: ClinVar variation 2899839 (VCV002899839.7), dbSNP rs1161162951, ClinGen allele CA463853823.

ClinVar aggregate classification (germline): Likely benign. Review status: criteria provided, multiple submitters, no conflicts (2 of 4 stars). 2 submissions from 2 submitters: Likely benign (2). Last evaluated 2026-03-01.

Allele frequency attached by ClinVar (database versions not stated): gnomAD exomes below 0.00001; TOPMed below 0.00001; gnomAD 0.00001.
gnomAD v4.1: 2 of 1,598,892 alleles (0.00013%); highest among the groups gnomAD compares: African/African-American, 0.0027%; no homozygotes.

Submissions (2):

CeGaT Center for Human Genetics Tuebingen
Classification: Likely benign. Last evaluated: 2026-03-01. Review status: criteria provided, single submitter. Criteria: CeGaT Center For Human Genetics Tuebingen Variant Classification Criteria Version 2. Collection method: clinical testing. Allele origin: germline. Affected: yes. Observed: 1 variant allele.
Comment: KCNV2: BP4, BP7

Labcorp Genetics (formerly Invitae), Labcorp
Classification: Likely benign. Last evaluated: 2023-03-01. Review status: criteria provided, single submitter. Criteria: Invitae Variant Classification Sherloc (09022015). Collection method: clinical testing. Allele origin: germline.